The following is an entry in ClinVar:

NM_001287.6(CLCN7):c.596C>T (p.Pro199Leu)

Gene: CLCN7 (chloride voltage-gated channel 7; minus strand). Cytogenetic location: 16p13.3.
Variant type: single nucleotide variant.
Coding change: c.596C>T on transcript NM_001287.6 (MANE Select); coding-DNA position 596, C replaced by T.
Protein change: p.Pro199Leu; replaces proline 199 with leucine.
Molecular consequence: missense variant.
Genome position (GRCh38, 1-based): chr16:1,459,186, G>A on the plus strand (C>T on the coding strand, the complement: CLCN7 is on the minus strand). VCF-style: chr16-1459186-G-A. GRCh37 (hg19) VCF-style: chr16-1509187-G-A.
Other names: c.524C>T, p.Pro175Leu (NM_001114331.3); short protein forms P199L, P175L.
Identifiers: ClinVar variation 2176582 (VCV002176582.4), dbSNP rs748807833, ClinGen allele CA7810687.
Genomic context (GRCh38, chr16:1,459,186, plus strand): 5'-GGGATCTTCACCCCGTTGAGGAAGCACTTGATCTGGGGGATTCCGCTGCCAGCAGCCACC[G>A]GCTGAAAGAGGGGAAGCACGGCTGAGTGGGTCACGGCCAGGCTGAGACAGATGCAGCCCC-3'
Protein context (NP_001278.1, residues 189-209): VGSVIVAFIE[Pro199Leu]VAAGSGIPQI

ClinVar aggregate classification (germline): Uncertain significance (1 of 4 stars; one submission).

Allele frequency attached by ClinVar (database versions not stated): TOPMed below 0.00001; gnomAD exomes 0.00001; ExAC 0.00003.
gnomAD v4.1: 16 of 1,613,036 alleles (0.00099%); highest among the groups gnomAD compares: South Asian, 0.0033%; no homozygotes.

Submission:

Labcorp Genetics (formerly Invitae), Labcorp
Classification: Uncertain significance. Last evaluated: 2022-03-12. Review status: criteria provided, single submitter. Criteria: Invitae Variant Classification Sherloc (09022015). Collection method: clinical testing. Allele origin: germline.
Comment: This variant has not been reported in the literature in individuals affected with CLCN7-related conditions. This sequence change replaces proline, which is neutral and non-polar, with leucine, which is neutral and non-polar, at codon 199 of the CLCN7 protein (p.Pro199Leu). This variant is present in population databases (rs748807833, gnomAD 0.005%). Algorithms developed to predict the effect of missense changes on protein structure and function (SIFT, PolyPhen-2, Align-GVGD) all suggest that this variant is likely to be disruptive. In summary, the available evidence is currently insufficient to determine the role of this variant in disease. Therefore, it has been classified as a Variant of Uncertain Significance.